The following is an entry in ClinVar:

NM_000138.5(FBN1):c.6659G>T (p.Arg2220Leu)

Gene: FBN1 (fibrillin 1; minus strand). Cytogenetic location: 15q21.1.
Variant type: single nucleotide variant.
Coding change: c.6659G>T on transcript NM_000138.5 (MANE Select); coding-DNA position 6659, G replaced by T.
Protein change: p.Arg2220Leu; replaces arginine 2220 with leucine.
Molecular consequence: missense variant.
Genome position (GRCh38, 1-based): chr15:48,432,946, C>A on the plus strand (G>T on the coding strand, the complement: FBN1 is on the minus strand). VCF-style: chr15-48432946-C-A. GRCh37 (hg19) VCF-style: chr15-48725143-C-A.
Other names: c.6659G>T, p.Arg2220Leu (NM_001406716.1); short protein forms R2220L.
Identifiers: ClinVar variation 3074374 (VCV003074374.3), dbSNP rs780651466, ClinGen allele CA392333562.

ClinVar aggregate classification (germline): Uncertain significance. Review status: criteria provided, multiple submitters, no conflicts (2 of 4 stars). 2 submissions from 2 submitters: Uncertain significance (2). Last evaluated 2025-01-20.

Conditions:
Marfan syndrome (MFS). Also called: MARFAN SYNDROME, TYPE I; Marfan syndrome type 1; Marfan's syndrome; Marfan syndrome, classic; FBN1-Related Marfan Syndrome. Identifiers: Orphanet 284963, Orphanet 558, MedGen C0024796, MONDO:0007947, OMIM 154700.
Familial thoracic aortic aneurysm and aortic dissection (TAAD). Also called: Thoracic aortic aneurysms and dissections. Identifiers: Orphanet 91387, MedGen C4707243, MONDO:0019625.

gnomAD v4.1: 1 of 1,613,570 alleles (0.000062%); highest among the groups gnomAD compares: Non-Finnish European, 0.000085%; no homozygotes.

Submissions (2):

Labcorp Genetics (formerly Invitae), Labcorp
Classification: Uncertain significance for Marfan syndrome; Familial thoracic aortic aneurysm and aortic dissection. Last evaluated: 2025-01-20. Review status: criteria provided, single submitter. Criteria: Invitae Variant Classification Sherloc (09022015). Collection method: clinical testing. Allele origin: germline.
Comment: This sequence change replaces arginine, which is basic and polar, with leucine, which is neutral and non-polar, at codon 2220 of the FBN1 protein (p.Arg2220Leu). This variant is not present in population databases (gnomAD no frequency). This variant has not been reported in the literature in individuals affected with FBN1-related conditions. ClinVar contains an entry for this variant (Variation ID: 3074374). Invitae Evidence Modeling of protein sequence and biophysical properties (such as structural, functional, and spatial information, amino acid conservation, physicochemical variation, residue mobility, and thermodynamic stability) indicates that this missense variant is expected to disrupt FBN1 protein function with a positive predictive value of 95%. In summary, the available evidence is currently insufficient to determine the role of this variant in disease. Therefore, it has been classified as a Variant of Uncertain Significance.

All of Us Research Program, National Institutes of Health
Classification: Uncertain significance for Marfan syndrome. Last evaluated: 2023-11-02. Review status: criteria provided, single submitter. Criteria: ACMG Guidelines, 2015. Collection method: clinical testing. Allele origin: germline. Inheritance: Autosomal dominant inheritance. Observed: 1 variant allele, 1 heterozygote.
Comment: This missense variant replaces arginine with leucine at codon 2220 of the FBN1 protein. Computational prediction suggests that this variant may have deleterious impact on protein structure and function (internally defined REVEL score threshold >= 0.7, PMID: 27666373). To our knowledge, functional studies have not been reported for this variant. This variant has not been reported in individuals affected with FBN1-related disorders in the literature. This variant has not been identified in the general population by the Genome Aggregation Database (gnomAD). The available evidence is insufficient to determine the role of this variant in disease conclusively. Therefore, this variant is classified as a Variant of Uncertain Significance.

This study involves interpretation of variants in research participants for the purpose of population health screening. Participant phenotype was not available at the time of variant classification. Additional details can be found in publication PMID: 35346344, PMCID: PMC8962531